The following is an entry in ClinVar:

NM_000552.5(VWF):c.1766C>G (p.Ser589Cys)

Gene: VWF (von Willebrand factor; minus strand). Cytogenetic location: 12p13.31.
Variant type: single nucleotide variant.
Coding change: c.1766C>G on transcript NM_000552.5 (MANE Select); coding-DNA position 1766, C replaced by G.
Protein change: p.Ser589Cys; replaces serine 589 with cysteine.
Molecular consequence: missense variant.
Genome position (GRCh38, 1-based): chr12:6,057,036, G>C on the plus strand (C>G on the coding strand, the complement: VWF is on the minus strand). VCF-style: chr12-6057036-G-C. GRCh37 (hg19) VCF-style: chr12-6166202-G-C.
Other names: short protein forms S589C.
Identifiers: ClinVar variation 5041572 (VCV005041572.1).

ClinVar aggregate classification (germline): Uncertain significance (1 of 4 stars; one submission).

Submission:

CeGaT Center for Human Genetics Tuebingen
Classification: Uncertain significance. Last evaluated: 2026-09-01. Review status: criteria provided, single submitter. Criteria: CeGaT Center For Human Genetics Tuebingen Variant Classification Criteria Version 2. Collection method: clinical testing. Allele origin: germline. Affected: yes. Observed: 1 variant allele.
Comment: VWF: PM2